The following is an entry in ClinVar:

ClinVar aggregate classification (germline): Uncertain significance (1 of 4 stars; one submission).

Conditions:
Familial hypercholesterolemia. Also called: Familial hypercholesterolemias; Familial hypercholesterolaemia. Identifiers: MedGen C0020445, MONDO:0005439.

gnomAD v4.1: 1 of 1,613,876 alleles (0.000062%); highest among the groups gnomAD compares: Non-Finnish European, 0.000085%; no homozygotes.

Submission:

Cambridge Genomics Laboratory, East Genomic Laboratory Hub, NHS Genomic Medicine Service
Classification: Uncertain significance for Familial hypercholesterolaemia. Last evaluated: 2026-08-04. Review status: criteria provided, single submitter. Criteria: ACGS Best Practice Guidelines for Variant Classification in Rare Disease 2020. Collection method: clinical testing. Allele origin: germline. Affected: yes.
Comment: PM2_Supporting

NM_000384.3(APOB):c.7073T>A (p.Met2358Lys)

Gene: APOB (apolipoprotein B; minus strand). Cytogenetic location: 2p24.1.
Variant type: single nucleotide variant.
Coding change: c.7073T>A on transcript NM_000384.3 (MANE Select); coding-DNA position 7073, T replaced by A.
Protein change: p.Met2358Lys; replaces methionine 2358 with lysine.
Molecular consequence: missense variant.
Genome position (GRCh38, 1-based): chr2:21,009,795, A>T on the plus strand (T>A on the coding strand, the complement: APOB is on the minus strand). VCF-style: chr2-21009795-A-T. GRCh37 (hg19) VCF-style: chr2-21232667-A-T.
Other names: short protein forms M2358K.
Identifiers: ClinVar variation 4884303 (VCV004884303.1).